The following is an entry in ClinVar:

NM_004329.3(BMPR1A):c.496G>A (p.Ala166Thr)

Gene: BMPR1A (bone morphogenetic protein receptor type 1A; plus strand). Cytogenetic location: 10q23.2.
Variant type: single nucleotide variant.
Coding change: c.496G>A on transcript NM_004329.3 (MANE Select); coding-DNA position 496, G replaced by A.
Protein change: p.Ala166Thr; replaces alanine 166 with threonine.
Molecular consequence: missense variant.
Genome position (GRCh38, 1-based): chr10:86,900,092, G>A. VCF-style: chr10-86900092-G-A. GRCh37 (hg19) VCF-style: chr10-88659849-G-A.
Other names: short protein forms A166T.
Identifiers: ClinVar variation 529905 (VCV000529905.26), dbSNP rs971636078, ClinGen allele CA211190981.

ClinVar aggregate classification (germline): Uncertain significance. Review status: criteria provided, multiple submitters, no conflicts (2 of 4 stars). 9 submissions from 9 submitters: Uncertain significance (8). 1 of the submissions does not count toward it. Last evaluated 2026-01-08.

Conditions:
Juvenile polyposis syndrome (JPS). Identifiers: Orphanet 2929, MedGen C0345893, MONDO:0017380, OMIM 174900.
Hereditary cancer-predisposing syndrome. Also called: Hereditary neoplastic syndrome; Tumor predisposition; Neoplastic Syndromes, Hereditary; Hereditary Cancer Syndrome. Identifiers: Orphanet 140162, MedGen C0027672, MeSH D009386, MONDO:0015356.
Polyposis syndrome, hereditary mixed, 2. Identifiers: Orphanet 157794, MedGen C1864730, MONDO:0012405, OMIM 610069.

Allele frequency attached by ClinVar (database versions not stated): TOPMed below 0.00001.
gnomAD v4.1: 1 of 1,613,964 alleles (0.000062%); no homozygotes.

Submissions (9):

Labcorp Genetics (formerly Invitae), Labcorp
Classification: Uncertain significance for Juvenile polyposis syndrome. Last evaluated: 2026-01-08. Review status: criteria provided, single submitter. Criteria: Invitae Variant Classification Sherloc (09022015). Collection method: clinical testing. Allele origin: germline.
Comment: This sequence change replaces alanine, which is neutral and non-polar, with threonine, which is neutral and polar, at codon 166 of the BMPR1A protein (p.Ala166Thr). This variant is not present in population databases (gnomAD no frequency). This variant has not been reported in the literature in individuals affected with BMPR1A-related conditions. ClinVar contains an entry for this variant (Variation ID: 529905). Invitae Evidence Modeling incorporating data from in vitro experimental studies (internal data) indicates that this missense variant is not expected to disrupt BMPR1A function with a negative predictive value of 95%. In summary, the available evidence is currently insufficient to determine the role of this variant in disease. Therefore, it has been classified as a Variant of Uncertain Significance.

Ambry Genetics
Classification: Uncertain significance for Hereditary cancer-predisposing syndrome. Last evaluated: 2025-01-05. Review status: criteria provided, single submitter. Criteria: Ambry Variant Classification Scheme 2023. Collection method: clinical testing. Allele origin: germline.
Comment: The p.A166T variant (also known as c.496G>A), located in coding exon 5 of the BMPR1A gene, results from a G to A substitution at nucleotide position 496. The alanine at codon 166 is replaced by threonine, an amino acid with similar properties. This amino acid position is well conserved in available vertebrate species. In addition, this alteration is predicted to be tolerated by in silico analysis. Since supporting evidence is limited at this time, the clinical significance of this alteration remains unclear.

All of Us Research Program, National Institutes of Health
Classification: Uncertain significance for Juvenile polyposis syndrome. Last evaluated: 2024-04-16. Review status: criteria provided, single submitter. Criteria: ACMG Guidelines, 2015. Collection method: clinical testing. Allele origin: germline. Inheritance: Autosomal dominant inheritance. Observed: 1 variant allele, 1 heterozygote.
Comment: This missense variant replaces alanine with threonine at codon 166 of the BMPR1A protein. Computational prediction suggests that this variant may not impact protein structure and function (internally defined REVEL score threshold <= 0.5, PMID: 27666373). To our knowledge, functional studies have not been reported for this variant. This variant has not been reported in individuals affected with hereditary cancer in the literature. This variant has not been identified in the general population by the Genome Aggregation Database (gnomAD). The available evidence is insufficient to determine the role of this variant in disease conclusively. Therefore, this variant is classified as a Variant of Uncertain Significance.

This study involves interpretation of variants in research participants for the purpose of population health screening. Participant phenotype was not available at the time of variant classification. Additional details can be found in publication PMID: 35346344, PMCID: PMC8962531

GeneDx
Classification: Uncertain significance. Last evaluated: 2024-04-05. Review status: criteria provided, single submitter. Criteria: GeneDx Variant Classification Process June 2021. Collection method: clinical testing. Allele origin: germline.
Comment: Not observed at significant frequency in large population cohorts (gnomAD); In silico analysis supports that this missense variant does not alter protein structure/function; Has not been previously published as pathogenic or benign to our knowledge

Baylor Genetics
Classification: Uncertain significance for Polyposis syndrome, hereditary mixed, 2. Last evaluated: 2024-03-28. Review status: criteria provided, single submitter. Criteria: ACMG Guidelines, 2015. Collection method: clinical testing. Allele origin: unknown.

Color Diagnostics, LLC DBA Color Health
Classification: Uncertain significance for Hereditary cancer-predisposing syndrome. Last evaluated: 2024-03-06. Review status: criteria provided, single submitter. Criteria: ACMG Guidelines, 2015. Collection method: clinical testing. Allele origin: germline.
Comment: This missense variant replaces alanine with threonine at codon 166 of the BMPR1A protein. Computational prediction suggests that this variant may not impact protein structure and function (internally defined REVEL score threshold <= 0.5, PMID: 27666373). To our knowledge, functional studies have not been reported for this variant. This variant has not been reported in individuals affected with hereditary cancer in the literature. This variant has not been identified in the general population by the Genome Aggregation Database (gnomAD). The available evidence is insufficient to determine the role of this variant in disease conclusively. Therefore, this variant is classified as a Variant of Uncertain Significance.

Blueprint Genetics
Classification: Uncertain significance. Last evaluated: 2022-04-22. Review status: criteria provided, single submitter. Criteria: ACMG Guidelines, 2015. Collection method: clinical testing. Allele origin: germline.

Sema4
Classification: Uncertain significance for Hereditary cancer-predisposing syndrome. Last evaluated: 2021-04-22. Review status: criteria provided, single submitter. Criteria: Sema4 Curation Guidelines. Collection method: curation. Allele origin: germline.
Comment: The BMPR1A c.496G>A (p.A166T) variant has not been reported in the literature to our knowledge. It was not observed in the large and broad cohorts of the Genome Aggregation Database. The variant has been reported in ClinVar (Variation ID 529905). In silico tools suggest the impact of the variant on protein function is inconclusive, though these predictions have not been confirmed by functional studies. The evidence is insufficient to meet ACMG/AMP criteria for classifying the variant as benign or pathogenic. Thus, the clinical significance of this variant is currently uncertain.

Department of Pathology and Laboratory Medicine, Sinai Health System
Classification: Uncertain significance. Review status: no assertion criteria provided. Collection method: clinical testing. Allele origin: unknown. Affected: yes. Study: The Canadian Open Genetics Repository (COGR). Not counted in ClinVar's aggregate classification.
Comment: The BMPR1A p.Ala166Thr variant was not identified in the literature nor was it identified in Cosmic or LOVD 3.0. The variant was identified in dbSNP (ID: rs971636078) and ClinVar (classified as Uncertain Significance for Juvenille polyposis syndrome by Invitae in 2018, and Uncertain significance associated with hereditary cancery predisposing syndrome by Color in 2018). The variant was not identified in the following control databases: the 1000 Genomes Project, the NHLBI GO Exome Sequencing Project, the Exome Aggregation Consortium (August 8th 2016), or the Genome Aggregation Database (Feb 27, 2017). The p.Ala166 residue is conserved in mammals but not in more distantly related organisms however four out of five computational analyses (PolyPhen-2, SIFT, AlignGVGD, BLOSUM, MutationTaster) do not suggest a high likelihood of impact to the protein; this information is not predictive enough to rule out pathogenicity. The variant occurs outside of the splicing consensus sequence and 3 of 4 in silico or computational prediction software programs (SpliceSiteFinder, MaxEntScan, NNSPLICE, GeneSplicer) do not predict a difference in splicing. In summary, based on the above information the clinical significance of this variant cannot be determined with certainty at this time. This variant is classified as a variant of uncertain significance.